The following is an entry in ClinVar:

NM_019842.4(KCNQ5):c.2487T>C (p.Ser829=)

Gene: KCNQ5 (potassium voltage-gated channel subfamily Q member 5; plus strand). Cytogenetic location: 6q13.
Variant type: single nucleotide variant.
Coding change: c.2487T>C on transcript NM_019842.4 (MANE Select); coding-DNA position 2487, T replaced by C.
Protein change: p.Ser829=; no amino-acid change (serine 829 retained).
Molecular consequence: synonymous variant.
Genome position (GRCh38, 1-based): chr6:73,195,102, T>C. VCF-style: chr6-73195102-T-C. GRCh37 (hg19) VCF-style: chr6-73904825-T-C.
Other names: c.2460T>C, p.Ser820= (NM_001160130.2); c.2517T>C, p.Ser839= (NM_001160132.2); c.2544T>C, p.Ser848= (NM_001160133.2); c.2157T>C, p.Ser719= (NM_001160134.2).
Identifiers: ClinVar variation 1571141 (VCV001571141.33), dbSNP rs777536659, ClinGen allele CA140918253.
Genomic context (GRCh38, chr6:73,195,102, plus strand): 5'-CATGGGAGGAGAAACTCTGTTGTCTGTCTGTCCCATGGTGCCGAAGGACTTGGGCAAATC[T>C]TTGTCTGTGCAAAACCTGATCAGGTCGACCGAGGAACTGAATATACAACTTTCAGGGAGT-3'
Protein context (NP_062816.2, residues 819-839): CPMVPKDLGK[Ser829=]LSVQNLIRST

ClinVar aggregate classification (germline): Likely benign. Review status: criteria provided, multiple submitters, no conflicts (2 of 4 stars). 3 submissions from 3 submitters: Likely benign (3). Last evaluated 2024-06-26.

Allele frequency attached by ClinVar (database versions not stated): gnomAD exomes below 0.00001 and 0.00001; TOPMed 0.00001; gnomAD 0.00002.
gnomAD v4.1: 23 of 1,614,094 alleles (0.0014%); highest among the groups gnomAD compares: Non-Finnish European, 0.0019%; no homozygotes.

Submissions (3):

Labcorp Genetics (formerly Invitae), Labcorp
Classification: Likely benign. Last evaluated: 2024-06-26. Review status: criteria provided, single submitter. Criteria: Invitae Variant Classification Sherloc (09022015). Collection method: clinical testing. Allele origin: germline.

CeGaT Center for Human Genetics Tuebingen
Classification: Likely benign. Last evaluated: 2023-02-01. Review status: criteria provided, single submitter. Criteria: CeGaT Center For Human Genetics Tuebingen Variant Classification Criteria Version 2. Collection method: clinical testing. Allele origin: germline. Affected: yes. Observed: 1 variant allele.
Comment: KCNQ5: BP4, BP7

Blueprint Genetics
Classification: Likely benign. Last evaluated: 2022-08-17. Review status: criteria provided, single submitter. Criteria: ACMG Guidelines, 2015. Collection method: clinical testing. Allele origin: germline.